The following is an entry in ClinVar:

NM_000053.4(ATP7B):c.1946+5dup

Gene: ATP7B (ATPase copper transporting beta; minus strand). Cytogenetic location: 13q14.3.
Variant type: Duplication.
Coding change: c.1946+5dup on transcript NM_000053.4 (MANE Select); 5 bases into the intron after coding-DNA position 1946, one base duplicated (G; older notation c.1946+5dupG).
Molecular consequence: intron variant.
Genome position (GRCh38, 1-based): chr13:51,961,832, C duplicated on the plus strand (G on the coding strand, the reverse complement: ATP7B is on the minus strand); the first of 2 consecutive C bases (chr13:51,961,832-51,961,833); duplicating either gives the same sequence. VCF-style (leftmost placement, unchanged base first): chr13-51961831-A-AC. GRCh37 (hg19) VCF-style: chr13-52535967-A-AC.
Other names: c.1946+5dupG (NM_000053.3); c.1613+5dup (NM_001243182.2); c.1869+3040dup (NM_001005918.3, NM_001330579.2); c.1946+5dup (NM_001330578.2).
Identifiers: ClinVar variation 2445725 (VCV002445725.2), dbSNP rs760759138, ClinGen allele CA6989166.

ClinVar aggregate classification (germline): Conflicting classifications of pathogenicity. Review status: criteria provided, conflicting classifications (1 of 4 stars). 2 submissions from 2 submitters: Likely pathogenic (1); Uncertain significance (1). Last evaluated 2024-02-27.

Conditions:
Wilson disease (WND). Also called: Wilson's disease. Identifiers: Orphanet 905, MedGen C0019202, MONDO:0010200, OMIM 277900. Disease mechanism: loss of function.

Submissions (2):

Natera, Inc.
Classification: Likely pathogenic for Wilson disease. Last evaluated: 2024-02-27. Review status: criteria provided, single submitter. Criteria: Natera Variant Classification Schema (03/2026). Collection method: clinical testing. Allele origin: germline.
Comment: The c.1946+5dupG variant in ATP7B is a frameshift variant predicted to shift the reading frame and introduce a stop codon. This variant is rare in the general population with a frequency below the threshold expected for the associated phenotype(s). This variant has been observed in one or more individuals affected with the associated recessive disease, as either homozygous or compound heterozygous with a second variant (PMID: 21610751). Computational prediction algorithms indicate this variant is likely to affect gene or protein function. Given the available evidence, this variant is classified as Likely Pathogenic.

Women's Health and Genetics/Laboratory Corporation of America, LabCorp
Classification: Uncertain significance. Last evaluated: 2023-02-06. Review status: criteria provided, single submitter. Criteria: LabCorp Variant Classification Summary - May 2015. Collection method: clinical testing. Allele origin: germline.
Comment: Variant summary: ATP7B c.1946+5dupG alters a conserved nucleotide located close to a canonical splice site and therefore could affect mRNA splicing, leading to a significantly altered protein sequence. Several computational tools predict a significant impact on normal splicing: Two predict the variant abolishes the canonical 5' splicing donor site. However, these predictions have yet to be confirmed by functional studies. The variant allele was found at a frequency of 8e-06 in 249578 control chromosomes (gnomAD). c.1946+5dupG has been reported in the literature in individuals affected with Wilson Disease (example: Coffey_2013). These data indicate that the variant may be associated with disease. To our knowledge, no experimental evidence demonstrating an impact on protein function has been reported. No clinical diagnostic laboratories have submitted clinical-significance assessments for this variant to ClinVar after 2014. Based on the evidence outlined above, the variant was classified as VUS-possibly pathogenic.

Literature cited by the submitters: PubMed 21610751 (cited by Natera, Inc.); PubMed 10502777 (cited by Women's Health and Genetics/Laboratory Corporation of America, LabCorp); PubMed 23518715 (cited by Women's Health and Genetics/Laboratory Corporation of America, LabCorp); PubMed 17449133 (cited by Women's Health and Genetics/Laboratory Corporation of America, LabCorp).